The following is an entry in ClinVar:

ClinVar aggregate classification (germline): Likely pathogenic (1 of 4 stars; one submission).

Conditions:
Plasma factor XI deficiency.

gnomAD v4.1: 2 of 1,614,110 alleles (0.00012%); highest among the groups gnomAD compares: Non-Finnish European, 0.00017%; no homozygotes.

Submission:

Natera, Inc.
Classification: Likely pathogenic for Plasma factor XI deficiency. Last evaluated: 2024-04-03. Review status: criteria provided, single submitter. Criteria: Natera Variant Classification Schema (03/2026). Collection method: clinical testing. Allele origin: germline.
Comment: The c.1480+1G>A variant in F11 is a canonical splice donor site variant predicted to affect pre-mRNA splicing, which may result in an abnormal transcript and altered protein product. This variant is expected to result in nonsense mediated decay, truncation, or a dysfunctional protein product. This variant is rare in the general population with a frequency below the threshold expected for the associated phenotype(s). Given the available evidence, this variant is classified as Likely Pathogenic.

NM_000128.4(F11):c.1480+1G>A

Gene: F11 (coagulation factor XI; plus strand). Cytogenetic location: 4q35.2.
Variant type: single nucleotide variant.
Coding change: c.1480+1G>A on transcript NM_000128.4 (MANE Select); the canonical splice donor site of the intron after coding-DNA position 1480, G replaced by A.
Molecular consequence: splice donor variant.
Genome position (GRCh38, 1-based): chr4:186,285,814, G>A. VCF-style: chr4-186285814-G-A. GRCh37 (hg19) VCF-style: chr4-187206968-G-A.
Other names: c.1480+1G>A (NM_001440593.1); c.1432+1G>A (NM_001440590.1, NM_001440596.1); c.1210+1G>A (NM_001440605.1, NM_001440607.1); c.1162+1G>A (NM_001440606.1, NM_001440608.1).
Identifiers: ClinVar variation 4817490 (VCV004817490.1).